The following is an entry in ClinVar:

NM_001080421.3(UNC13A):c.1425A>G (p.Leu475=)

Gene: UNC13A (unc-13 homolog A; minus strand). Cytogenetic location: 19p13.11.
Variant type: single nucleotide variant.
Coding change: c.1425A>G on transcript NM_001080421.3 (MANE Select); coding-DNA position 1425, A replaced by G.
Protein change: p.Leu475=; no amino-acid change (leucine 475 retained).
Molecular consequence: synonymous variant.
Genome position (GRCh38, 1-based): chr19:17,652,645, T>C on the plus strand (A>G on the coding strand, the complement: UNC13A is on the minus strand). VCF-style: chr19-17652645-T-C. GRCh37 (hg19) VCF-style: chr19-17763454-T-C.
Other names: c.1425A>G, p.Leu475= (NM_001387021.1, NM_001387022.1, NM_001387023.1).
Identifiers: ClinVar variation 3358217 (VCV003358217.1).
Genomic context (GRCh38, chr19:17,652,645, plus strand): 5'-TTGGGGTTCAAATCTTCCTCCCACCGCTCACAGTTTCATTACTTACCCGCCTTTGAACCA[T>C]AGGGATTTAGACATCTCTCCTTCTCCCCGGGCCTGCAGGACAGACAGACAGATATGGTCA-3'
Protein context (NP_001073890.2, residues 465-485): ARGEGEMSKS[Leu475=]WFKGGPGGGL

ClinVar aggregate classification (germline): Likely benign (0 of 4 stars; one submission).

Conditions:
UNC13A-related disorder. Also called: UNC13A-related condition.

gnomAD v4.1: 44 of 1,613,594 alleles (0.0027%); highest among the groups gnomAD compares: Non-Finnish European, 0.0035%; no homozygotes.

Submission:

PreventionGenetics, part of Exact Sciences
Classification: Likely benign for UNC13A-related condition. Last evaluated: 2023-03-24. Review status: no assertion criteria provided. Collection method: clinical testing. Allele origin: germline.
Comment: This variant is classified as likely benign based on ACMG/AMP sequence variant interpretation guidelines (Richards et al. 2015 PMID: 25741868, with internal and published modifications).